The following is an entry in ClinVar:

NM_021120.4(DLG3):c.93C>T (p.Gly31=)

Gene: DLG3 (discs large MAGUK scaffold protein 3; plus strand). Cytogenetic location: Xq13.1.
Variant type: single nucleotide variant.
Coding change: c.93C>T on transcript NM_021120.4 (MANE Select); coding-DNA position 93, C replaced by T.
Protein change: p.Gly31=; no amino-acid change (glycine 31 retained).
Molecular consequence: synonymous variant.
Genome position (GRCh38, 1-based): chrX:70,445,294, C>T. VCF-style: chrX-70445294-C-T. GRCh37 (hg19) VCF-style: chrX-69665144-C-T.
Identifiers: ClinVar variation 746464 (VCV000746464.12), dbSNP rs776667412, ClinGen allele CA10441899.

ClinVar aggregate classification (germline): Benign/Likely benign. Review status: criteria provided, multiple submitters, no conflicts (2 of 4 stars). 2 submissions from 2 submitters: Benign (1); Likely benign (1). Last evaluated 2025-08-01.

Allele frequency attached by ClinVar (database versions not stated): gnomAD exomes 0.00010 and 0.00039; gnomAD 0.00018 and 0.00019; TOPMed 0.00018; ExAC 0.00162.
gnomAD v4.1: 141 of 1,164,164 alleles (0.012%); highest among the groups gnomAD compares: Non-Finnish European, 0.0017%; no homozygotes.

Submissions (2):

CeGaT Center for Human Genetics Tuebingen
Classification: Likely benign. Last evaluated: 2025-08-01. Review status: criteria provided, single submitter. Criteria: CeGaT Center For Human Genetics Tuebingen Variant Classification Criteria Version 2. Collection method: clinical testing. Allele origin: germline. Affected: yes. Observed: 1 variant allele.
Comment: DLG3: BP4, BP7, BS2

Labcorp Genetics (formerly Invitae), Labcorp
Classification: Benign. Last evaluated: 2019-12-31. Review status: criteria provided, single submitter. Criteria: Invitae Variant Classification Sherloc (09022015). Collection method: clinical testing. Allele origin: germline.